The following is an entry in ClinVar:

ClinVar aggregate classification (germline): Conflicting classifications of pathogenicity. Review status: criteria provided, conflicting classifications (1 of 4 stars). 2 submissions from 2 submitters: Uncertain significance (1); Likely benign (1). Last evaluated 2025-06-03.

Conditions:
Melanoma, cutaneous malignant, susceptibility to, 5. Also called: Cutaneous malignant melanoma 5. Identifiers: Orphanet 618, MedGen C2751295, MONDO:0013133, OMIM 613099.

gnomAD v4.1: 1 of 1,613,502 alleles (0.000062%); highest among the groups gnomAD compares: Non-Finnish European, 0.000085%; no homozygotes.

Submissions (2):

Labcorp Genetics (formerly Invitae), Labcorp
Classification: Uncertain significance for Melanoma, cutaneous malignant, susceptibility to, 5. Last evaluated: 2025-06-03. Review status: criteria provided, single submitter. Criteria: Invitae Variant Classification Sherloc (09022015). Collection method: clinical testing. Allele origin: germline.
Comment: This sequence change affects codon 246 of the MC1R mRNA. It is a 'silent' change, meaning that it does not change the encoded amino acid sequence of the MC1R protein. This variant is present in population databases (no rsID available, gnomAD 0.0009%). This variant has not been reported in the literature in individuals affected with MC1R-related conditions. ClinVar contains an entry for this variant (Variation ID: 3871135). In summary, the available evidence is currently insufficient to determine the role of this variant in disease. Therefore, it has been classified as a Variant of Uncertain Significance.

Ambry Genetics
Classification: Likely benign. Last evaluated: 2025-03-02. Review status: criteria provided, single submitter. Criteria: Ambry Variant Classification Scheme 2023. Collection method: clinical testing. Allele origin: germline.

NM_002386.4(MC1R):c.736C>T (p.Leu246=)

Gene: MC1R (melanocortin 1 receptor; plus strand). Cytogenetic location: 16q24.3.
Variant type: single nucleotide variant.
Coding change: c.736C>T on transcript NM_002386.4 (MANE Select); coding-DNA position 736, C replaced by T.
Protein change: p.Leu246=; no amino-acid change (leucine 246 retained).
Molecular consequence: synonymous variant.
Genome position (GRCh38, 1-based): chr16:89,919,994, C>T. VCF-style: chr16-89919994-C-T. GRCh37 (hg19) VCF-style: chr16-89986402-C-T.
Identifiers: ClinVar variation 3871135 (VCV003871135.2).